The following is an entry in ClinVar:

ClinVar aggregate classification (germline): Likely pathogenic (1 of 4 stars; one submission).

Conditions:
Hereditary factor VIII deficiency disease (HEMA). Also called: HEMOPHILIA, CLASSIC; AUTOSOMAL HEMOPHILIA A; Hemophilia A; Hemophilia A, congenital; HEM A; Factor 8 deficiency, congenital. Identifiers: Orphanet 98878, MedGen C0019069, MONDO:0010602, OMIM 306700.

Allele frequency attached by ClinVar (database versions not stated): gnomAD exomes below 0.00001.
gnomAD v4.1: 1 of 1,210,670 alleles (0.000083%); highest among the groups gnomAD compares: Non-Finnish European, 0.00011%; no homozygotes.

Submission:

ARUP Laboratories, Molecular Genetics and Genomics, ARUP Laboratories
Classification: Likely pathogenic for Hereditary factor VIII deficiency disease. Last evaluated: 2020-12-02. Review status: criteria provided, single submitter. Criteria: ARUP Molecular Germline Variant Investigation Process 2021. Collection method: clinical testing. Allele origin: germline.
Comment: The F8 c.755C>T; p.Thr252Ile variant (rs1464962436), also known as Thr233Ile, is reported in the literature in several individuals affected with mild to moderate hemophilia A (see link to FVIII database, Fernandez-Lopez 2005, Green 2008, Johnsen 2017). This variant is absent from general population databases (Exome Variant Server, Genome Aggregation Database), indicating it is not a common polymorphism. The threonine at codon 252 is highly conserved, and computational analyses predict that this variant is deleterious (REVEL: 0.954). Additionally, another variant at this codon (c.755C>A; p.Thr262Lys) has been reported in an individual with hemophilia A (Rossetti 2007). Based on available information, the p.Thr252Ile variant is considered to be likely pathogenic. References: Link to FVIII database: Fernandez-Lopez O et al. The spectrum of mutations in Southern Spanish patients with hemophilia A and identification of 28 novel mutations. Haematologica. 2005 May;90(5):707-10. Green PM et al. Haemophilia A mutations in the UK: results of screening one-third of the population. Br J Haematol. 2008 Oct;143(1):115-28. Johnsen JM et al. Novel approach to genetic analysis and results in 3000 hemophilia patients enrolled in the My Life, Our Future initiative. Blood Adv. 2017 May 18;1(13):824-834. Rossetti LC et al. Sixteen novel hemophilia A causative mutations in the first Argentinian series of severe molecular defects. Haematologica. 2007 Jun;92(6):842-5.

NM_000132.4(F8):c.755C>T (p.Thr252Ile)

Gene: F8 (coagulation factor VIII; minus strand). Cytogenetic location: Xq28.
Variant type: single nucleotide variant.
Coding change: c.755C>T on transcript NM_000132.4 (MANE Select); coding-DNA position 755, C replaced by T.
Protein change: p.Thr252Ile; replaces threonine 252 with isoleucine.
Molecular consequence: missense variant.
Genome position (GRCh38, 1-based): chrX:154,984,719, G>A on the plus strand (C>T on the coding strand, the complement: F8 is on the minus strand). VCF-style: chrX-154984719-G-A. GRCh37 (hg19) VCF-style: chrX-154212994-G-A.
Other names: short protein forms T252I.
Identifiers: ClinVar variation 1330392 (VCV001330392.7), dbSNP rs1464962436, ClinGen allele CA414918984.
Genomic context (GRCh38, chrX:154,984,719, plus strand): 5'-GAGGATTGTTGAGCAGGTGTGTACATACCTGGCAGAGACCTGTTTACATAACCATTGACT[G>A]TGTGCATTTTAGGCCAGGCCCGAGCAGATGCAGCATCCCTATCCTGCATCAAGGAGTTCT-3'
Protein context (NP_000123.1, residues 242-262): ASARAWPKMH[Thr252Ile]VNGYVNRSLP